The following is an entry in ClinVar:

NM_000257.4(MYH7):c.2951G>T (p.Gly984Val)

Gene: MYH7 (myosin heavy chain 7; minus strand). Cytogenetic location: 14q11.2.
Variant type: single nucleotide variant.
Coding change: c.2951G>T on transcript NM_000257.4 (MANE Select); coding-DNA position 2951, G replaced by T.
Protein change: p.Gly984Val; replaces glycine 984 with valine.
Molecular consequence: missense variant.
Genome position (GRCh38, 1-based): chr14:23,423,695, C>A on the plus strand (G>T on the coding strand, the complement: MYH7 is on the minus strand). VCF-style: chr14-23423695-C-A. GRCh37 (hg19) VCF-style: chr14-23892904-C-A.
Other names: short protein forms G984V.
Identifiers: ClinVar variation 1031478 (VCV001031478.1), dbSNP rs1892575677, ClinGen allele CA389046438.
Genomic context (GRCh38, chr14:23,423,695, plus strand): 5'-TGGTGGGCCTCTTGCAGAGCTTTCTTCTCCTTGGTCAGCTTGGCAATGATCTCATCCAGC[C>A]CAGCCATCTCCTCTGTCAGGTTTTTCACCTGCCGACCAAGAATCCCATCTCCTTTAGGGT-3'
Protein context (NP_000248.2, residues 974-994): KVKNLTEEMA[Gly984Val]LDEIIAKLTK

ClinVar aggregate classification (germline): Uncertain significance (1 of 4 stars; one submission).

Conditions:
Dilated cardiomyopathy 1S (CMD1S). Identifiers: Orphanet 154, Orphanet 54260, MedGen C1834481, MONDO:0013262, OMIM 613426.

gnomAD v4.1: 3 of 1,614,078 alleles (0.00019%); highest among the groups gnomAD compares: South Asian, 0.0033%; no homozygotes.

Submission:

Baylor Genetics
Classification: Uncertain significance for Dilated cardiomyopathy 1S. Last evaluated: 2018-09-06. Review status: criteria provided, single submitter. Criteria: ACMG Guidelines, 2015. Collection method: clinical testing. Allele origin: maternal. Affected: yes.
Comment: This variant was determined to be of uncertain significance according to ACMG Guidelines, 2015 [PMID:25741868].